The following is an entry in ClinVar:

ClinVar aggregate classification (germline): Benign. Review status: criteria provided, single submitter (1 of 4 stars). 2 submissions from 2 submitters: Benign (1). 1 of the submissions does not count toward it. Last evaluated 2026-01-05.

Conditions:
KMT2C-related disorder. Also called: KMT2C-related condition; KMT2C-related disorders.

Allele frequency attached by ClinVar (database versions not stated): gnomAD exomes below 0.00001.
gnomAD v4.1: 4 of 1,614,156 alleles (0.00025%); highest among the groups gnomAD compares: Non-Finnish European, 0.00017%; no homozygotes.

Submissions (2):

Labcorp Genetics (formerly Invitae), Labcorp
Classification: Benign. Last evaluated: 2026-01-05. Review status: criteria provided, single submitter. Criteria: Invitae Variant Classification Sherloc (09022015). Collection method: clinical testing. Allele origin: germline.

PreventionGenetics, part of Exact Sciences
Classification: Likely benign for KMT2C-related condition. Last evaluated: 2023-01-05. Review status: no assertion criteria provided. Collection method: clinical testing. Allele origin: germline. Not counted in ClinVar's aggregate classification.
Comment: This variant is classified as likely benign based on ACMG/AMP sequence variant interpretation guidelines (Richards et al. 2015 PMID: 25741868, with internal and published modifications).

NM_170606.3(KMT2C):c.372T>G (p.Gly124=)

Gene: KMT2C (lysine methyltransferase 2C; minus strand). Cytogenetic location: 7q36.1.
Variant type: single nucleotide variant.
Coding change: c.372T>G on transcript NM_170606.3 (MANE Select); coding-DNA position 372, T replaced by G.
Protein change: p.Gly124=; no amino-acid change (glycine 124 retained).
Molecular consequence: synonymous variant.
Genome position (GRCh38, 1-based): chr7:152,330,618, A>C on the plus strand (T>G on the coding strand, the complement: KMT2C is on the minus strand). VCF-style: chr7-152330618-A-C. GRCh37 (hg19) VCF-style: chr7-152027703-A-C.
Other names: c.372T>G (NM_170606.2).
Identifiers: ClinVar variation 2973951 (VCV002973951.5), dbSNP rs1016157370, ClinGen allele CA169464051.
Genomic context (GRCh38, chr7:152,330,618, plus strand): 5'-TTCCTGTCACTAATATCCAATCCAGCTGCATTCATTCTCTAACCTGATTTTGGCTTCTAC[A>C]CCAACAGAGACCAGGGAGTTTGCCGATTCCTCAGACACAGATCGCTGAAGAGTTGGAATT-3'
Protein context (NP_733751.2, residues 114-134): EESANSLVSV[Gly124=]VEAKISEQLC